The following is an entry in ClinVar:

ClinVar aggregate classification (germline): Likely pathogenic. Review status: criteria provided, multiple submitters, no conflicts (2 of 4 stars). 5 submissions from 5 submitters: Likely pathogenic (5). Last evaluated 2025-10-17.

Conditions:
Hereditary cancer-predisposing syndrome. Also called: Hereditary Cancer Syndrome; Neoplastic Syndromes, Hereditary; Tumor predisposition; Hereditary neoplastic syndrome. Identifiers: Orphanet 140162, MedGen C0027672, MeSH D009386, MONDO:0015356.
Familial cancer of breast. Also called: BREAST CANCER, FAMILIAL; Hereditary breast cancer; hereditary breast carcinoma. Identifiers: Orphanet 227535, MedGen C0346153, MONDO:0016419, OMIM 114480. Disease mechanism: loss of function.

Submissions (5):

Ambry Genetics
Classification: Likely pathogenic for Hereditary cancer-predisposing syndrome. Last evaluated: 2025-10-17. Review status: criteria provided, single submitter. Criteria: Ambry Variant Classification Scheme 2023. Collection method: clinical testing. Allele origin: germline.
Comment: The c.1678-1_1678delGA variant results from the deletion of 2 nucleotides at the c.1678-1 and c.1678 position in the BARD1 gene. This nucleotide region is not well conserved in available vertebrate species. In silico splice site analysis predicts that this alteration will weaken the native splice acceptor site; however, direct evidence is insufficient at this time (Ambry internal data). This variant is considered to be rare based on population cohorts in the Genome Aggregation Database (gnomAD). Alterations that disrupt the canonical splice site are expected to cause aberrant splicing, resulting in an abnormal protein or a transcript that is subject to nonsense-mediated mRNA decay. As such, this alteration is classified as likely pathogenic.

Labcorp Genetics (formerly Invitae), Labcorp
Classification: Likely pathogenic for Familial cancer of breast. Last evaluated: 2024-08-11. Review status: criteria provided, single submitter. Criteria: Invitae Variant Classification Sherloc (09022015). Collection method: clinical testing. Allele origin: germline.
Comment: This sequence change affects a splice site in intron 7 of the BARD1 gene. RNA analysis indicates that disruption of this splice site induces altered splicing and may result in an absent or altered protein product. This variant is not present in population databases (gnomAD no frequency). This variant has not been reported in the literature in individuals affected with BARD1-related conditions. ClinVar contains an entry for this variant (Variation ID: 481371). Studies have shown that disruption of this splice site results in skipping of exon 8, and produces a non-functional protein and/or introduces a premature termination codon (Invitae). In summary, the currently available evidence indicates that the variant is pathogenic, but additional data are needed to prove that conclusively. Therefore, this variant has been classified as Likely Pathogenic.

Baylor Genetics
Classification: Likely pathogenic for Familial cancer of breast. Last evaluated: 2023-09-22. Review status: criteria provided, single submitter. Criteria: ACMG Guidelines, 2015. Collection method: clinical testing. Allele origin: unknown.

Myriad Genetics, Inc.
Classification: Likely pathogenic for Familial cancer of breast. Last evaluated: 2023-05-23. Review status: criteria provided, single submitter. Criteria: Myriad Autosomal Dominant, Autosomal Recessive and X-Linked Classification Criteria (2023). Collection method: clinical testing. Allele origin: unknown.
Comment: This variant is considered likely pathogenic. This variant occurs within a consensus splice junction and is predicted to result in abnormal mRNA splicing of either an out-of-frame exon or an in-frame exon necessary for protein stability and/or normal function.

Color Diagnostics, LLC DBA Color Health
Classification: Likely pathogenic for Hereditary cancer-predisposing syndrome. Last evaluated: 2022-01-25. Review status: criteria provided, single submitter. Criteria: ACMG Guidelines, 2015. Collection method: clinical testing. Allele origin: germline.
Comment: This variant causes the deletion of two nucleotides in intron 7 and exon 8 of the BARD1 gene. Splice site prediction tools predict that this variant may have a significant impact on RNA splicing. Although this prediction has not been confirmed in published RNA studies, this variant is expected to result in an absent or disrupted protein product. This variant has not been reported in individuals affected with hereditary cancer in the literature. This variant has not been identified in the general population by the Genome Aggregation Database (gnomAD). Loss of BARD1 function is a known mechanism of disease. Based on the available evidence, this variant is classified as Likely Pathogenic.

NM_000465.4(BARD1):c.1678-1_1678del

Gene: BARD1 (BRCA1 associated RING domain 1; minus strand). Cytogenetic location: 2q35.
Variant type: Deletion.
Coding change: c.1678-1_1678del on transcript NM_000465.4 (MANE Select); the canonical splice acceptor site of the intron before coding-DNA position 1678 through coding-DNA position 1678, 2 bases deleted (GA; older notation c.1678-1_1678delGA).
Molecular consequence: splice acceptor variant. On other transcripts: intron variant (1).
Genome position (GRCh38, 1-based): chr2:214,745,854-214,745,855, TC deleted on the plus strand (GA on the coding strand, the reverse complement: BARD1 is on the minus strand); deleting any 2 consecutive bases within chr2:214,745,854-214,745,856 gives the same sequence; the c. name uses the placement nearest the transcript's 3' end. VCF-style (leftmost placement, unchanged base first): chr2-214745853-ATC-A. GRCh37 (hg19) VCF-style: chr2-215610577-ATC-A.
Other names: c.268-1_268del (NM_001282548.2); c.1621-1_1621del (NM_001282543.2); c.325-1_325del (NM_001282545.2); c.365-15347_365-15346del (NM_001282549.2).
Identifiers: ClinVar variation 481371 (VCV000481371.19), dbSNP rs1553615184, ClinGen allele CA658657224.